The following is an entry in ClinVar:

ClinVar aggregate classification (germline): Uncertain significance. Review status: criteria provided, multiple submitters, no conflicts (2 of 4 stars). 2 submissions from 2 submitters: Uncertain significance (2). Last evaluated 2025-08-15.

Allele frequency attached by ClinVar (database versions not stated): gnomAD exomes 0.00001; TOPMed 0.00001; gnomAD 0.00002; ExAC 0.00001.
gnomAD v4.1: 23 of 1,613,118 alleles (0.0014%); highest among the groups gnomAD compares: Middle Eastern, 0.082%; no homozygotes.

Submissions (2):

GeneDx
Classification: Uncertain significance. Last evaluated: 2025-08-15. Review status: criteria provided, single submitter. Criteria: GeneDx Variant Classification Process June 2021. Collection method: clinical testing. Allele origin: germline.
Comment: In silico analysis supports that this missense variant has a deleterious effect on protein structure/function; Has not been previously published as pathogenic or benign to our knowledge

Ambry Genetics
Classification: Uncertain significance. Last evaluated: 2023-12-21. Review status: criteria provided, single submitter. Criteria: Ambry Variant Classification Scheme 2023. Collection method: clinical testing. Allele origin: germline.

NM_015656.2(KIF26A):c.1367C>T (p.Ser456Leu)

Gene: KIF26A (kinesin family member 26A; plus strand). Cytogenetic location: 14q32.33.
Variant type: single nucleotide variant.
Coding change: c.1367C>T on transcript NM_015656.2 (MANE Select); coding-DNA position 1367, C replaced by T.
Protein change: p.Ser456Leu; replaces serine 456 with leucine.
Molecular consequence: missense variant.
Genome position (GRCh38, 1-based): chr14:104,172,615, C>T. VCF-style: chr14-104172615-C-T. GRCh37 (hg19) VCF-style: chr14-104638952-C-T.
Other names: short protein forms S456L.
Identifiers: ClinVar variation 3114721 (VCV003114721.3), dbSNP rs763294423, ClinGen allele CA7370368.
Genomic context (GRCh38, chr14:104,172,615, plus strand): 5'-TGATTCTCTTGCCCCCCTAGGCCGAAGTCTGCTCGGGGACCGTGGCCGACGTGCTCCAGT[C>T]GGTGGTCAGTGGGGCTGATGGCTGCATTTTTTCCTTTGGCCACATGAGCCTGGGTAAGCA-3'
Protein context (NP_056471.1, residues 446-466): CSGTVADVLQ[Ser456Leu]VVSGADGCIF